The following is an entry in ClinVar:

ClinVar aggregate classification (germline): Uncertain significance. Review status: criteria provided, multiple submitters, no conflicts (2 of 4 stars). 4 submissions from 4 submitters: Uncertain significance (4). Last evaluated 2025-11-24.

Conditions:
Hereditary cancer-predisposing syndrome. Also called: Tumor predisposition; Hereditary Cancer Syndrome; Neoplastic Syndromes, Hereditary; Hereditary neoplastic syndrome. Identifiers: Orphanet 140162, MedGen C0027672, MeSH D009386, MONDO:0015356.
Familial cancer of breast. Also called: BREAST CANCER, FAMILIAL; Hereditary breast cancer; hereditary breast carcinoma. Identifiers: Orphanet 227535, MedGen C0346153, MONDO:0016419, OMIM 114480. Disease mechanism: loss of function.

Allele frequency attached by ClinVar (database versions not stated): gnomAD exomes below 0.00001.
gnomAD v4.1: 1 of 1,614,120 alleles (0.000062%); highest among the groups gnomAD compares: Non-Finnish European, 0.000085%; no homozygotes.

Submissions (4):

Labcorp Genetics (formerly Invitae), Labcorp
Classification: Uncertain significance for Familial cancer of breast. Last evaluated: 2025-11-24. Review status: criteria provided, single submitter. Criteria: Invitae Variant Classification Sherloc (09022015). Collection method: clinical testing. Allele origin: germline.
Comment: This sequence change replaces leucine, which is neutral and non-polar, with proline, which is neutral and non-polar, at codon 1092 of the PALB2 protein (p.Leu1092Pro). This variant is not present in population databases (gnomAD no frequency). This variant has not been reported in the literature in individuals affected with PALB2-related conditions. ClinVar contains an entry for this variant (Variation ID: 823385). An algorithm developed to predict the effect of missense changes on protein structure and function (PolyPhen-2) suggests that this variant is likely to be disruptive. In summary, the available evidence is currently insufficient to determine the role of this variant in disease. Therefore, it has been classified as a Variant of Uncertain Significance.

Color Diagnostics, LLC DBA Color Health
Classification: Uncertain significance for Hereditary cancer-predisposing syndrome. Last evaluated: 2023-12-04. Review status: criteria provided, single submitter. Criteria: ACMG Guidelines, 2015. Collection method: clinical testing. Allele origin: germline.
Comment: This missense variant replaces leucine with proline at codon 1092 of the PALB2 protein. Computational prediction suggests that this variant may not impact protein structure and function (internally defined REVEL score threshold <= 0.5, PMID: 27666373). To our knowledge, functional studies have not been reported for this variant. This variant has not been reported in individuals affected with PALB2-related disorders in the literature. This variant has not been identified in the general population by the Genome Aggregation Database (gnomAD). The available evidence is insufficient to determine the role of this variant in disease conclusively. Therefore, this variant is classified as a Variant of Uncertain Significance.

Baylor Genetics
Classification: Uncertain significance for Familial cancer of breast. Last evaluated: 2023-05-08. Review status: criteria provided, single submitter. Criteria: ACMG Guidelines, 2015. Collection method: clinical testing. Allele origin: unknown.

Ambry Genetics
Classification: Uncertain significance for Hereditary cancer-predisposing syndrome. Last evaluated: 2021-05-13. Review status: criteria provided, single submitter. Criteria: Ambry Variant Classification Scheme 2023. Collection method: clinical testing. Allele origin: germline.

NM_024675.4(PALB2):c.3275T>C (p.Leu1092Pro)

Gene: PALB2 (partner and localizer of BRCA2; minus strand). Cytogenetic location: 16p12.2.
Variant type: single nucleotide variant.
Coding change: c.3275T>C on transcript NM_024675.4 (MANE Select); coding-DNA position 3275, T replaced by C.
Protein change: p.Leu1092Pro; replaces leucine 1092 with proline.
Molecular consequence: missense variant.
Genome position (GRCh38, 1-based): chr16:23,607,939, A>G on the plus strand (T>C on the coding strand, the complement: PALB2 is on the minus strand). VCF-style: chr16-23607939-A-G. GRCh37 (hg19) VCF-style: chr16-23619260-A-G.
Other names: short protein forms L1092P.
Identifiers: ClinVar variation 823385 (VCV000823385.19), dbSNP rs1597066815, ClinGen allele CA395139642.
Genomic context (GRCh38, chr16:23,607,939, plus strand): 5'-GGAGGAAGACAGTACAGCATCACACCCACGCTGAGAGTCGTCTTAGGGTTAATCACAATG[A>G]GCTGAAACACAGGGCTTCGCAACGACTCACTCTCTTTGGCACAGGGATGACTCAGGACAA-3'
Protein context (NP_078951.2, residues 1082-1102): SESLRSPVFQ[Leu1092Pro]IVINPKTTLS